The following is an entry in ClinVar:

NM_017662.5(TRPM6):c.33+172A>G

Gene: TRPM6 (transient receptor potential cation channel subfamily M member 6; minus strand). Cytogenetic location: 9q21.13.
Variant type: single nucleotide variant.
Coding change: c.33+172A>G on transcript NM_017662.5 (MANE Select); 172 bases into the intron after coding-DNA position 33, A replaced by G.
Molecular consequence: intron variant. On other transcripts: 5 prime UTR variant (1).
Genome position (GRCh38, 1-based): chr9:74,887,652, T>C on the plus strand (A>G on the coding strand, the complement: TRPM6 is on the minus strand). VCF-style: chr9-74887652-T-C. GRCh37 (hg19) VCF-style: chr9-77502568-T-C.
Other names: c.-4A>G (NM_001177310.2).
Identifiers: ClinVar variation 3357083 (VCV003357083.1).

ClinVar aggregate classification (germline): Likely benign (0 of 4 stars; one submission).

Conditions:
TRPM6-related disorder. Also called: TRPM6-related condition.

gnomAD v4.1: 8 of 1,587,116 alleles (0.0005%); highest among the groups gnomAD compares: African/African-American, 0.0013%; no homozygotes.

Submission:

PreventionGenetics, part of Exact Sciences
Classification: Likely benign for TRPM6-related condition. Last evaluated: 2019-09-10. Review status: no assertion criteria provided. Collection method: clinical testing. Allele origin: germline.
Comment: This variant is classified as likely benign based on ACMG/AMP sequence variant interpretation guidelines (Richards et al. 2015 PMID: 25741868, with internal and published modifications).